The following is an entry in ClinVar:

NM_000126.4(ETFA):c.667C>T (p.Arg223Ter)

Gene: ETFA (electron transfer flavoprotein subunit alpha; minus strand). Cytogenetic location: 15q24.2.
Variant type: single nucleotide variant.
Coding change: c.667C>T on transcript NM_000126.4 (MANE Select); coding-DNA position 667, C replaced by T.
Protein change: p.Arg223Ter; replaces arginine 223 with a stop codon.
Molecular consequence: nonsense.
Genome position (GRCh38, 1-based): chr15:76,283,823, G>A on the plus strand (C>T on the coding strand, the complement: ETFA is on the minus strand). VCF-style: chr15-76283823-G-A. GRCh37 (hg19) VCF-style: chr15-76576164-G-A.
Other names: c.520C>T, p.Arg174Ter (NM_001127716.2); short protein forms R223*, R174*.
Identifiers: ClinVar variation 429752 (VCV000429752.25), dbSNP rs769976586, ClinGen allele CA7673658.
Genomic context (GRCh38, chr15:76,283,823, plus strand): 5'-CATGTAGTTGATCTGCCAAGTCATATAACAACTTAAAGTTCTCTCCACTCTTCAAGCCTC[G>A]ACCTCATTTAAAAAGATGAAAAAAAAAAATTAGGCAAACATCAAATACATTCTGGAACAA-3'

ClinVar aggregate classification (germline): Pathogenic/Likely pathogenic. Review status: criteria provided, multiple submitters, no conflicts (2 of 4 stars). 7 submissions from 7 submitters: Pathogenic (6); Likely pathogenic (1). Last evaluated 2026-01-27.

Conditions:
ETFA-related disorders.
Glutaric acidemia type 2A.
Multiple acyl-CoA dehydrogenase deficiency (MADD). Also called: Glutaric acidemia type II; GA 2; ETHYLMALONIC-ADIPICACIDURIA; GA II; Glutaric aciduria, type 2; Glutaric Acidemia type 2. Identifiers: Orphanet 26791, MedGen C0268596, MONDO:0009282, OMIM 231680.

Allele frequency attached by ClinVar (database versions not stated): gnomAD 0.00001; TOPMed 0.00001; ExAC 0.00002; gnomAD exomes 0.00004.
gnomAD v4.1: 57 of 1,606,390 alleles (0.0035%); highest among the groups gnomAD compares: Non-Finnish European, 0.0047%; no homozygotes.

Submissions (7):

Natera, Inc.
Classification: Pathogenic for Glutaric acidemia type 2A. Last evaluated: 2026-01-27. Review status: criteria provided, single submitter. Criteria: Natera Variant Classification Schema (03/2026). Collection method: clinical testing. Allele origin: germline.
Comment: The c.667C>T variant in ETFA is a nonsense variant predicted to introduce a stop codon at amino acid 223. This variant is expected to result in nonsense mediated decay, truncation, or a dysfunctional protein product. This variant is rare in the general population with a frequency below the threshold expected for the associated phenotype(s). This variant has been observed in one or more individuals affected with the associated recessive disease, as either homozygous or compound heterozygous with a second variant (PMID: 38941880, 34470039, 29096039). Given the available evidence, this variant is classified as Pathogenic.

Labcorp Genetics (formerly Invitae), Labcorp
Classification: Pathogenic for Multiple acyl-CoA dehydrogenase deficiency. Last evaluated: 2026-01-05. Review status: criteria provided, single submitter. Criteria: Invitae Variant Classification Sherloc (09022015). Collection method: clinical testing. Allele origin: germline.
Comment: This sequence change creates a premature translational stop signal (p.Arg223*) in the ETFA gene. It is expected to result in an absent or disrupted protein product. Loss-of-function variants in ETFA are known to be pathogenic (PMID: 16510302, 23785301). This variant is present in population databases (rs769976586, gnomAD 0.006%). This premature translational stop signal has been observed in individual(s) with bilateral renal dysplasia and multiple renal cysts (PMID: 29096039). ClinVar contains an entry for this variant (Variation ID: 429752). For these reasons, this variant has been classified as Pathogenic.

GeneDx
Classification: Pathogenic. Last evaluated: 2025-08-16. Review status: criteria provided, single submitter. Criteria: GeneDx Variant Classification Process June 2021. Collection method: clinical testing. Allele origin: germline. Affected: yes.
Comment: Nonsense variant predicted to result in protein truncation or nonsense mediated decay in a gene for which loss of function is a known mechanism of disease; Not observed at significant frequency in large population cohorts (gnomAD); This variant is associated with the following publications: (PMID: 31589614, 34470039, 29096039)

Blueprint Genetics
Classification: Pathogenic for ETFA-related disorders. Last evaluated: 2024-09-30. Review status: criteria provided, single submitter. Criteria: ACMG Guidelines, 2015. Collection method: clinical testing. Allele origin: germline. Affected: yes. Observed: 5 variant alleles.

Baylor Genetics
Classification: Pathogenic for Multiple acyl-CoA dehydrogenase deficiency. Last evaluated: 2024-03-27. Review status: criteria provided, single submitter. Criteria: ACMG Guidelines, 2015. Collection method: clinical testing. Allele origin: unknown.

Revvity Omics, Revvity
Classification: Likely pathogenic for Multiple acyl-CoA dehydrogenase deficiency. Last evaluated: 2021-12-06. Review status: criteria provided, single submitter. Criteria: ACMG Guidelines, 2015. Collection method: clinical testing. Allele origin: germline.

Victorian Clinical Genetics Services, Murdoch Childrens Research Institute
Classification: Pathogenic for Multiple acyl-CoA dehydrogenase deficiency. Last evaluated: 2020-10-19. Review status: criteria provided, single submitter. Criteria: ACMG Guidelines, 2015. Collection method: clinical testing. Allele origin: germline. Inheritance: Autosomal recessive inheritance.
Comment: Based on the classification scheme VCGS_Germline_v1.3.3, this variant is classified as pathogenic. Following criteria are met: 0102 - Loss of function is a known mechanism of disease in this gene and is associated with recessive glutaric acidemia IIA (MIM#231680). (I) (I) 0106 - This gene is associated with autosomal recessive disease. (I) 0201 - Variant is predicted to cause nonsense-mediated decay (NMD) and loss of protein (premature termination codon is located at least 54 nucleotides upstream of the final exon-exon junction). (SP) 0251 - This variant is heterozygous. (I) 0304 - Variant is present in gnomAD <0.01 for a recessive condition (v2: 10 heterozygotes, 0 homozygotes). (SP) 0701 – Other NMD-predicted variants comparable to the one identified in this case have very strong previous evidence for pathogenicity. There are at least nine NMD-predicted variants along the ETFA gene (Decipher, PMIDs: 18289905, 31268564). (SP) 0803 - This variant has limited previous evidence of pathogenicity in an unrelated individual. This variant has been reported in a family with multiple affected pregnancies with bilateral renal dysplasia and renal cysts (PMID: 29096039). (SP) 0905 - No published segregation evidence has been identified for this variant. (I) 1007 - No published functional evidence has been identified for this variant. (I) 1208 - Inheritance information for this variant is not currently available in this individual. (I) Legend: (SP) - Supporting pathogenic, (I) - Information, (SB) - Supporting benign

Literature cited by the submitters: PubMed 38941880 (cited by Natera, Inc.); PubMed 34470039 (cited by Natera, Inc.); PubMed 29096039 (cited by 3 submitters); PubMed 16510302 (cited by Labcorp Genetics (formerly Invitae), Labcorp); PubMed 23785301 (cited by Labcorp Genetics (formerly Invitae), Labcorp); PubMed 18289905 (cited by Victorian Clinical Genetics Services, Murdoch Childrens Research Institute); PubMed 31268564 (cited by Victorian Clinical Genetics Services, Murdoch Childrens Research Institute).